The following is an entry in ClinVar:

ClinVar aggregate classification (germline): Uncertain significance (1 of 4 stars; one submission).

Conditions:
Deficiency of alpha-mannosidase (MANSA). Also called: LYSOSOMAL ALPHA-D-MANNOSIDASE DEFICIENCY; Mannosidosis, alpha-, types I and II; Alpha-Mannosidosis. Identifiers: Orphanet 61, MedGen C0024748, MONDO:0009561, OMIM 248500.

Allele frequency attached by ClinVar (database versions not stated): gnomAD exomes below 0.00001; gnomAD 0.00001; TOPMed 0.00001.
gnomAD v4.1: 2 of 1,613,902 alleles (0.00012%); highest among the groups gnomAD compares: African/African-American, 0.0027%; no homozygotes.

Submission:

Labcorp Genetics (formerly Invitae), Labcorp
Classification: Uncertain significance for Deficiency of alpha-mannosidase. Last evaluated: 2021-09-27. Review status: criteria provided, single submitter. Criteria: Invitae Variant Classification Sherloc (09022015). Collection method: clinical testing. Allele origin: germline.
Comment: In summary, the available evidence is currently insufficient to determine the role of this variant in disease. Therefore, it has been classified as a Variant of Uncertain Significance. Algorithms developed to predict the effect of missense changes on protein structure and function output the following: SIFT: "Tolerated"; PolyPhen-2: "Benign"; Align-GVGD: "Class C0". The arginine amino acid residue is found in multiple mammalian species, suggesting that this missense change does not adversely affect protein function. These predictions have not been confirmed by published functional studies and their clinical significance is uncertain. This variant has not been reported in the literature in individuals with MAN2B1-related conditions. This variant is not present in population databases (ExAC no frequency). This sequence change replaces lysine with arginine at codon 969 of the MAN2B1 protein (p.Lys969Arg). The lysine residue is weakly conserved and there is a small physicochemical difference between lysine and arginine.

NM_000528.4(MAN2B1):c.2906A>G (p.Lys969Arg)

Gene: MAN2B1 (mannosidase alpha class 2B member 1; minus strand). Cytogenetic location: 19p13.13.
Variant type: single nucleotide variant.
Coding change: c.2906A>G on transcript NM_000528.4 (MANE Select); coding-DNA position 2906, A replaced by G.
Protein change: p.Lys969Arg; replaces lysine 969 with arginine.
Molecular consequence: missense variant.
Genome position (GRCh38, 1-based): chr19:12,647,250, T>C on the plus strand (A>G on the coding strand, the complement: MAN2B1 is on the minus strand). VCF-style: chr19-12647250-T-C. GRCh37 (hg19) VCF-style: chr19-12758064-T-C.
Other names: c.2903A>G, p.Lys968Arg (NM_001173498.2); short protein forms K969R, K968R.
Identifiers: ClinVar variation 1363319 (VCV001363319.8), dbSNP rs1323141015, ClinGen allele CA404237251.